The following is an entry in ClinVar:

NM_000169.3(GLA):c.801+3A>T

Genes: GLA (galactosidase alpha; minus strand), RPL36A-HNRNPH2 (RPL36A-HNRNPH2 readthrough; plus strand). Cytogenetic location: Xq22.1.
Variant type: single nucleotide variant.
Coding change: c.801+3A>T on transcript NM_000169.3 (MANE Select); 3 bases into the intron after coding-DNA position 801, A replaced by T.
Molecular consequence: intron variant.
Genome position (GRCh38, 1-based): chrX:101,398,782, T>A on the plus strand (A>T on the coding strand, the complement: GLA is on the minus strand). VCF-style: chrX-101398782-T-A. GRCh37 (hg19) VCF-style: chrX-100653770-T-A.
Other names: c.300+3325T>A (NM_001199973.2); c.177+6960T>A (NM_001199974.2); c.924+3A>T (NM_001406747.1); c.801+3A>T (NM_001406748.1).
Identifiers: ClinVar variation 4087127 (VCV004087127.2), dbSNP rs797044748.
Genomic context (GRCh38, chrX:101,398,782, plus strand): 5'-GAATGTCAAAATAGGAAACAAGCCTACCGCAGGGTCTTGAACAAGGAGGGCTCAAGTTTT[T>A]ACCATATCTGGGTCATTCCAACCCCCTGGTCCAGCAACATCAACAATTCTCTCCTGGTTA-3'

ClinVar aggregate classification (germline): Uncertain significance (1 of 4 stars; one submission).

Conditions:
Fabry disease. Also called: ALPHA-GALACTOSIDASE A DEFICIENCY; ANDERSON-FABRY DISEASE; CERAMIDE TRIHEXOSIDASE DEFICIENCY; GLA DEFICIENCY; HEREDITARY DYSTOPIC LIPIDOSIS; Angiokeratoma corporis diffusum. Identifiers: Orphanet 324, MedGen C0002986, MONDO:0010526, OMIM 301500, HP:0001071. Disease mechanism: Fabry disease is due to inactivating mutations in the X-linked GLA gene resulting in deficiency of the enzyme Alpha Galactosidase-A., loss of function.

Submission:

Genomenon, Inc
Classification: Uncertain significance for Fabry disease. Last evaluated: 2026-09-08. Review status: criteria provided, single submitter. Criteria: Genomenon Sequence Variant Interpretation Standards - Updated. Collection method: curation. Allele origin: germline. Affected: yes.
Comment: GLA c.801+3A>T is an intronic variant located in the donor splice region of intron 5. This variant has been observed in at least one proband with clinical features consistent with Fabry disease (PMID:31649303). Functional or patient cell studies have been reported (PMID:31649303). It is absent or not present at a significant frequency in gnomAD. In silico models predict that this variant is possibly or probably damaging. In conclusion, we classify GLA c.801+3A>T as a variant of uncertain significance.

Literature cited by the submitters: PubMed 31649303.